The following is an entry in ClinVar:

NM_000092.5(COL4A4):c.1400del (p.Pro467fs)

Gene: COL4A4 (collagen type IV alpha 4 chain; minus strand). Cytogenetic location: 2q36.3.
Variant type: Deletion.
Coding change: c.1400del on transcript NM_000092.5 (MANE Select); coding-DNA position 1400, one base deleted (C; older notation c.1400delC).
Protein change: p.Pro467fs; shifts the reading frame from proline 467.
Molecular consequence: frameshift variant.
Genome position (GRCh38, 1-based): chr2:227,089,927, G deleted on the plus strand (C on the coding strand, the reverse complement: COL4A4 is on the minus strand); the first of 2 consecutive G bases (chr2:227,089,927-227,089,928); deleting either gives the same sequence. VCF-style (leftmost placement, unchanged base first): chr2-227089926-TG-T. GRCh37 (hg19) VCF-style: chr2-227954642-TG-T.
Other names: short protein forms P467fs.
Identifiers: ClinVar variation 1726930 (VCV001726930.2), dbSNP rs2475085768, ClinGen allele CA2580065885.

ClinVar aggregate classification (germline): Likely pathogenic (1 of 4 stars; one submission).

Conditions:
Autosomal recessive Alport syndrome (ATS2). Also called: Alport syndrome type 2; COL4A4 Alport Syndrome and Thin Basement Membrane Nephropathy; ALPORT SYNDROME 2, AUTOSOMAL RECESSIVE; COL4A3-Related Nephropathy. Identifiers: Orphanet 63, Orphanet 88919, MedGen C4746745, MONDO:0008762, OMIM 203780.

Submission:

Myriad Genetics, Inc.
Classification: Likely pathogenic for Autosomal recessive Alport syndrome. Last evaluated: 2022-01-02. Review status: criteria provided, single submitter. Criteria: Myriad Women's Health Autosomal Recessive and X-Linked Classification Criteria (2021). Collection method: clinical testing. Allele origin: unknown.
Comment: NM_000092.4(COL4A4):c.1400delC(P467Hfs*4) is expected to be pathogenic in the context of COL4A4-related Alport syndrome. This variant is predicted to lead to an abnormal or absent protein product due to the creation of a premature termination codon in COL4A4, a gene where loss-of-function variants are known to be pathogenic. Please note: this variant was assessed in the context of healthy population screening.